The following is an entry in ClinVar:

NM_021830.5(TWNK):c.1707G>T (p.Gln569His)

Gene: TWNK (twinkle mtDNA helicase; plus strand). Cytogenetic location: 10q24.31.
Variant type: single nucleotide variant.
Coding change: c.1707G>T on transcript NM_021830.5 (MANE Select); coding-DNA position 1707, G replaced by T.
Protein change: p.Gln569His; replaces glutamine 569 with histidine.
Molecular consequence: missense variant. On other transcripts: non-coding transcript variant (5).
Genome position (GRCh38, 1-based): chr10:100,990,983, G>T. VCF-style: chr10-100990983-G-T. GRCh37 (hg19) VCF-style: chr10-102750740-G-T.
Other names: c.1707G>T, p.Gln569His (NM_001163812.2); c.345G>T, p.Gln115His (NM_001163813.2, NM_001163814.2, NM_001368275.1); short protein forms Q115H, Q569H.
Identifiers: ClinVar variation 1310435 (VCV001310435.2), dbSNP rs2133942458, ClinGen allele CA378211535.

ClinVar aggregate classification (germline): Uncertain significance (1 of 4 stars; one submission).

Allele frequency attached by ClinVar (database versions not stated): gnomAD exomes below 0.00001.
gnomAD v4.1: 1 of 1,614,242 alleles (0.000062%); highest among the groups gnomAD compares: Non-Finnish European, 0.000085%; no homozygotes.

Submission:

GeneDx
Classification: Uncertain significance. Last evaluated: 2021-05-11. Review status: criteria provided, single submitter. Criteria: GeneDx Variant Classification Process June 2021. Collection method: clinical testing. Allele origin: germline. Affected: yes.
Comment: Not observed in large population cohorts (Lek et al., 2016); In silico analysis, which includes protein predictors and evolutionary conservation, supports a deleterious effect; Has not been previously published as pathogenic or benign to our knowledge